The following is an entry in ClinVar:

NM_018129.4(PNPO):c.746G>A (p.Arg249His)

Gene: PNPO (pyridoxamine 5'-phosphate oxidase; plus strand). Cytogenetic location: 17q21.32.
Variant type: single nucleotide variant.
Coding change: c.746G>A on transcript NM_018129.4 (MANE Select); coding-DNA position 746, G replaced by A.
Protein change: p.Arg249His; replaces arginine 249 with histidine.
Molecular consequence: missense variant.
Genome position (GRCh38, 1-based): chr17:47,946,742, G>A. VCF-style: chr17-47946742-G-A. GRCh37 (hg19) VCF-style: chr17-46024108-G-A.
Other names: short protein forms R249H.
Identifiers: ClinVar variation 2199327 (VCV002199327.3), dbSNP rs1260770129, ClinGen allele CA400063382.

ClinVar aggregate classification (germline): Uncertain significance (1 of 4 stars; one submission).

Conditions:
Pyridoxal phosphate-responsive seizures (PNPOD). Also called: EPILEPTIC ENCEPHALOPATHY, NEONATAL, PNPO-RELATED; SEIZURES, PYRIDOXINE-RESISTANT, PLP-SENSITIVE; Pyridoxamine 5-Prime-Phosphate Oxidase Deficiency; Pyridoxine-5'-phosphate oxidase deficiency; Pyridoxal 5'-Phosphate (PLP)-Dependent Epilepsy. Identifiers: Orphanet 79096, MedGen C1864723, MONDO:0012407, OMIM 610090. Disease mechanism: loss of function.

Allele frequency attached by ClinVar (database versions not stated): TOPMed below 0.00001.
gnomAD v4.1: 8 of 1,614,174 alleles (0.0005%); highest among the groups gnomAD compares: Non-Finnish European, 0.00051%; no homozygotes.

Submission:

Labcorp Genetics (formerly Invitae), Labcorp
Classification: Uncertain significance for Pyridoxal phosphate-responsive seizures. Last evaluated: 2025-10-02. Review status: criteria provided, single submitter. Criteria: Invitae Variant Classification Sherloc (09022015). Collection method: clinical testing. Allele origin: germline.
Comment: This sequence change replaces arginine, which is basic and polar, with histidine, which is basic and polar, at codon 249 of the PNPO protein (p.Arg249His). This variant is not present in population databases (gnomAD no frequency). This variant has not been reported in the literature in individuals affected with PNPO-related conditions. ClinVar contains an entry for this variant (Variation ID: 2199327). An algorithm developed to predict the effect of missense changes on protein structure and function outputs the following: PolyPhen-2: "Benign". The histidine amino acid residue is found in multiple mammalian species, which suggests that this missense change does not adversely affect protein function. In summary, the available evidence is currently insufficient to determine the role of this variant in disease. Therefore, it has been classified as a Variant of Uncertain Significance.